The following is an entry in ClinVar:

ClinVar aggregate classification (germline): Pathogenic/Likely pathogenic. Review status: criteria provided, multiple submitters, no conflicts (2 of 4 stars). 6 submissions from 5 submitters: Pathogenic (3); Likely pathogenic (3). Last evaluated 2024-08-08.

Conditions:
Fetal akinesia deformation sequence 3. Identifiers: MedGen C4760599, MONDO:0100103, OMIM 618389.
Fetal akinesia deformation sequence 1 (FADS1). Also called: Pena-Shokeir syndrome type I; Fetal akinesia sequence. Identifiers: Orphanet 994, MedGen C1276035, MONDO:0100101, OMIM 208150, HP:0001989.
Congenital myasthenic syndrome 10. Also called: Myasthenia, limb-girdle, familial. Identifiers: Orphanet 590, MedGen C1850792, MONDO:0009690, OMIM 254300.
Congenital myasthenic syndrome (CMS). Also called: Congenital Myasthenic Syndromes. Identifiers: Orphanet 590, MedGen C0751882, MeSH D020294, MONDO:0018940.

Allele frequency attached by ClinVar (database versions not stated): gnomAD exomes below 0.00001 and 0.00001; TOPMed 0.00001; ExAC 0.00002.
gnomAD v4.1: 7 of 1,613,946 alleles (0.00043%); highest among the groups gnomAD compares: African/African-American, 0.0067%; no homozygotes.

Submissions (6):

Women's Health and Genetics/Laboratory Corporation of America, LabCorp
Classification: Likely pathogenic for Congenital myasthenic syndrome. Last evaluated: 2024-08-08. Review status: criteria provided, single submitter. Criteria: LabCorp Variant Classification Summary - May 2015. Collection method: clinical testing. Allele origin: germline.
Comment: Variant summary: DOK7 c.514G>A (p.Gly172Arg) results in a non-conservative amino acid change located in the IRS-type PTB domain (IPR002404) of the encoded protein sequence. Five of five in-silico tools predict a damaging effect of the variant on protein function. The variant allele was found at a frequency of 8e-06 in 250644 control chromosomes. c.514G>A has been reported in the literature in compound heterozygous individuals affected with Congenital Myasthenic Syndrome and in one family, this variant has been shown to segregate with disease (Ben Ammar_2010, Gaist_2017, Normand_2018, Ek_2023). These data indicate that the variant is likely to be associated with disease. To our knowledge, no experimental evidence demonstrating an impact on protein function has been reported. The following publications have been ascertained in the context of this evaluation (PMID: 20012313, 37273706, 28716243, 30266093). ClinVar contains an entry for this variant (Variation ID: 560992). Based on the evidence outlined above, the variant was classified as likely pathogenic.

Revvity Omics, Revvity
Classification: Likely pathogenic. Last evaluated: 2024-07-15. Review status: criteria provided, single submitter. Criteria: ACMG Guidelines, 2015. Collection method: clinical testing. Allele origin: germline.

Labcorp Genetics (formerly Invitae), Labcorp
Classification: Pathogenic for Congenital myasthenic syndrome 10; Fetal akinesia deformation sequence 1. Last evaluated: 2023-08-17. Review status: criteria provided, single submitter. Criteria: Invitae Variant Classification Sherloc (09022015). Collection method: clinical testing. Allele origin: germline.
Comment: This variant is present in population databases (rs768892432, gnomAD 0.006%). For these reasons, this variant has been classified as Pathogenic. An algorithm developed to predict the effect of missense changes on protein structure and function (PolyPhen-2) suggests that this variant is likely to be disruptive. ClinVar contains an entry for this variant (Variation ID: 560992). This missense change has been observed in individual(s) with DOK7-related conditions (PMID: 20012313, 28716243, 30266093). In at least one individual the data is consistent with being in trans (on the opposite chromosome) from a pathogenic variant. It has also been observed to segregate with disease in related individuals. This sequence change replaces glycine, which is neutral and non-polar, with arginine, which is basic and polar, at codon 172 of the DOK7 protein (p.Gly172Arg).

Baylor Genetics
Classification: Pathogenic for Fetal akinesia deformation sequence 3. Last evaluated: 2023-05-10. Review status: criteria provided, single submitter. Criteria: ACMG Guidelines, 2015. Collection method: clinical testing. Allele origin: unknown.

Clinical Genetics and Genomics, Karolinska University Hospital
Classification: Likely pathogenic. Last evaluated: 2018-01-05. Review status: criteria provided, single submitter. Criteria: ACMG Guidelines, 2015. Collection method: clinical testing. Allele origin: germline. Affected: yes. Observed: 1 variant allele.

Baylor Genetics
Classification: Pathogenic for Fetal akinesia deformation sequence 1. Last evaluated: 2017-09-01. Review status: criteria provided, single submitter. Criteria: ACMG Guidelines, 2015. Collection method: clinical testing. Allele origin: paternal. Inheritance: Autosomal recessive inheritance. Affected: yes.

Literature cited by the submitters: PubMed 30266093 (cited by Women's Health and Genetics/Laboratory Corporation of America, LabCorp and Labcorp Genetics (formerly Invitae), Labcorp); PubMed 20012313 (cited by 3 submitters); PubMed 37273706 (cited by Women's Health and Genetics/Laboratory Corporation of America, LabCorp); PubMed 28716243 (cited by Women's Health and Genetics/Laboratory Corporation of America, LabCorp and Labcorp Genetics (formerly Invitae), Labcorp); PubMed 25326635 (cited by Baylor Genetics).

NM_173660.5(DOK7):c.514G>A (p.Gly172Arg)

Gene: DOK7 (docking protein 7; plus strand). Cytogenetic location: 4p16.3.
Variant type: single nucleotide variant.
Coding change: c.514G>A on transcript NM_173660.5 (MANE Select); coding-DNA position 514, G replaced by A.
Protein change: p.Gly172Arg; replaces glycine 172 with arginine.
Molecular consequence: missense variant. On other transcripts: intron variant (1).
Genome position (GRCh38, 1-based): chr4:3,476,524, G>A. VCF-style: chr4-3476524-G-A. GRCh37 (hg19) VCF-style: chr4-3478251-G-A.
Other names: c.514G>A, p.Gly172Arg (NM_001164673.2, NM_001301071.2); c.101-9015G>A (NM_001363811.2); short protein forms G172R.
Identifiers: ClinVar variation 560992 (VCV000560992.15), dbSNP rs768892432, ClinGen allele CA2829019.
Genomic context (GRCh38, chr4:3,476,524, plus strand): 5'-TGGAAGCTGTCTGACCTCCGGCGCTACGGGGCCGTGCCAAGCGGATTCATCTTTGAAGGC[G>A]GGACCAGGTGTGGGTACTGTAAGTACGGATGTGTGGGGTCACTGGGCAGCAGCAGCACCC-3'
Protein context (NP_775931.3, residues 162-182): AVPSGFIFEG[Gly172Arg]TRCGYWAGVF